The following is an entry in ClinVar:

ClinVar aggregate classification (germline): Likely pathogenic (1 of 4 stars; one submission).

Conditions:
Tay-Sachs disease (TSD). Also called: HEXA DEFICIENCY; HEXA Disorders; GM2 gangliosidosis, type 1; Hexosaminidase alpha-subunit deficiency (variant B); Sphingolipidosis, Tay-Sachs; Hexosaminidase A Deficiency. Identifiers: Orphanet 845, MedGen C0039373, MONDO:0010100, OMIM 272800.

Submission:

Natera, Inc.
Classification: Likely pathogenic for Tay-Sachs disease. Last evaluated: 2024-04-12. Review status: criteria provided, single submitter. Criteria: Natera Variant Classification Schema (03/2026). Collection method: clinical testing. Allele origin: germline.
Comment: The c.1526_1526+3delGGTA variant in HEXA is a frameshift variant predicted to shift the reading frame and introduce a stop codon. This variant is expected to result in nonsense mediated decay, truncation, or a dysfunctional protein product. This variant is rare in the general population with a frequency below the threshold expected for the associated phenotype(s). Given the available evidence, this variant is classified as Likely Pathogenic.

NM_000520.6(HEXA):c.1526_1526+3del

Gene: HEXA (hexosaminidase subunit alpha; minus strand). Cytogenetic location: 15q23.
Variant type: Deletion.
Coding change: c.1526_1526+3del on transcript NM_000520.6 (MANE Select); coding-DNA position 1526 through 3 bases into the intron after coding-DNA position 1526, 4 bases deleted (GGTA; older notation c.1526_1526+3delGGTA).
Molecular consequence: splice donor variant. On other transcripts: non-coding transcript variant (1).
Genome position (GRCh38, 1-based): chr15:72,345,443-72,345,446, TACC deleted on the plus strand (GGTA on the coding strand, the reverse complement: HEXA is on the minus strand); deleting any 4 consecutive bases within chr15:72,345,443-72,345,447 gives the same sequence; the c. name uses the placement nearest the transcript's 3' end. VCF-style (leftmost placement, unchanged base first): chr15-72345442-TTACC-T. GRCh37 (hg19) VCF-style: chr15-72637783-TTACC-T.
Other names: c.1559_1559+3del (NM_001318825.2).
Identifiers: ClinVar variation 4818723 (VCV004818723.1).
Genomic context (GRCh38, chr15:72,345,442, plus strand): 5'-TAAGGGGTTCCCCAGCCCTGGATCTGGCCTGCTCCGCCTTGCGAAGGCCCCACAGCTTGC[TTACC>T]TCAGCAATTCACAGCGGAAGTGTGACAAACGTTCATAGGCAAATGTCAGGTCAGATGTCA-3'